The following is an entry in ClinVar:

NM_001904.4(CTNNB1):c.246T>G (p.Ile82Met)

Genes: CTNNB1 (catenin beta 1; plus strand), LOC126806658 (BRD4-independent group 4 enhancer GRCh37_chr3:41265899-41267098; plus strand). Cytogenetic location: 3p22.1.
Variant type: single nucleotide variant.
Coding change: c.246T>G on transcript NM_001904.4 (MANE Select); coding-DNA position 246, T replaced by G.
Protein change: p.Ile82Met; replaces isoleucine 82 with methionine.
Molecular consequence: missense variant.
Genome position (GRCh38, 1-based): chr3:41,224,958, T>G. VCF-style: chr3-41224958-T-G. GRCh37 (hg19) VCF-style: chr3-41266449-T-G.
Other names: c.246T>G, p.Ile82Met (NM_001098209.2, NM_001098210.2); c.225T>G, p.Ile75Met (NM_001330729.2); c.246T>G (NM_001904.3); short protein forms I82M, I75M.
Identifiers: ClinVar variation 1490898 (VCV001490898.8), dbSNP rs1283770769, ClinGen allele CA352228865.

ClinVar aggregate classification (germline): Uncertain significance. Review status: criteria provided, multiple submitters, no conflicts (2 of 4 stars). 2 submissions from 2 submitters: Uncertain significance (2). Last evaluated 2025-08-20.

Conditions:
Inborn genetic diseases. Identifiers: MedGen C0950123, MeSH D030342.

Allele frequency attached by ClinVar (database versions not stated): gnomAD exomes below 0.00001; gnomAD 0.00001; TOPMed 0.00002.
gnomAD v4.1: 4 of 1,613,922 alleles (0.00025%); highest among the groups gnomAD compares: African/African-American, 0.0053%; no homozygotes.

Submissions (2):

Labcorp Genetics (formerly Invitae), Labcorp
Classification: Uncertain significance. Last evaluated: 2025-08-20. Review status: criteria provided, single submitter. Criteria: Invitae Variant Classification Sherloc (09022015). Collection method: clinical testing. Allele origin: germline.
Comment: This sequence change replaces isoleucine, which is neutral and non-polar, with methionine, which is neutral and non-polar, at codon 82 of the CTNNB1 protein (p.Ile82Met). This variant is present in population databases (no rsID available, gnomAD 0.007%). This variant has not been reported in the literature in individuals affected with CTNNB1-related conditions. ClinVar contains an entry for this variant (Variation ID: 1490898). Invitae Evidence Modeling of protein sequence and biophysical properties (such as structural, functional, and spatial information, amino acid conservation, physicochemical variation, residue mobility, and thermodynamic stability) indicates that this missense variant is not expected to disrupt CTNNB1 protein function with a negative predictive value of 80%. In summary, the available evidence is currently insufficient to determine the role of this variant in disease. Therefore, it has been classified as a Variant of Uncertain Significance.

Ambry Genetics
Classification: Uncertain significance for Inborn genetic diseases. Last evaluated: 2024-01-08. Review status: criteria provided, single submitter. Criteria: Ambry Variant Classification Scheme 2023. Collection method: clinical testing. Allele origin: germline.